The following is an entry in ClinVar:

NM_001408.3(CELSR2):c.5720A>G (p.His1907Arg)

Gene: CELSR2 (cadherin EGF LAG seven-pass G-type receptor 2; plus strand). Cytogenetic location: 1p13.3.
Variant type: single nucleotide variant.
Coding change: c.5720A>G on transcript NM_001408.3 (MANE Select); coding-DNA position 5720, A replaced by G.
Protein change: p.His1907Arg; replaces histidine 1907 with arginine.
Molecular consequence: missense variant.
Genome position (GRCh38, 1-based): chr1:109,265,304, A>G. VCF-style: chr1-109265304-A-G. GRCh37 (hg19) VCF-style: chr1-109807926-A-G.
Other names: short protein forms H1907R.
Identifiers: ClinVar variation 4743271 (VCV004743271.1).

ClinVar aggregate classification (germline): Uncertain significance (1 of 4 stars; one submission).

Submission:

Labcorp Genetics (formerly Invitae), Labcorp
Classification: Uncertain significance. Last evaluated: 2025-08-04. Review status: criteria provided, single submitter. Criteria: Invitae Variant Classification Sherloc (09022015). Collection method: clinical testing. Allele origin: germline.
Comment: This sequence change replaces histidine, which is basic and polar, with arginine, which is basic and polar, at codon 1907 of the CELSR2 protein (p.His1907Arg). This variant is present in population databases (rs536214558, gnomAD 0.1%), and has an allele count higher than expected for a pathogenic variant. This variant has not been reported in the literature in individuals affected with CELSR2-related conditions. Invitae Evidence Modeling of protein sequence and biophysical properties (such as structural, functional, and spatial information, amino acid conservation, physicochemical variation, residue mobility, and thermodynamic stability) indicates that this missense variant is not expected to disrupt CELSR2 protein function with a negative predictive value of 80%. In summary, the available evidence is currently insufficient to determine the role of this variant in disease. Therefore, it has been classified as a Variant of Uncertain Significance.